The following is an entry in ClinVar:

ClinVar aggregate classification (germline): Uncertain significance (1 of 4 stars; one submission).

Allele frequency attached by ClinVar (database versions not stated): gnomAD exomes below 0.00001.
gnomAD v4.1: 2 of 1,252,582 alleles (0.00016%); highest among the groups gnomAD compares: Admixed American, 0.0017%; no homozygotes.

Submission:

Labcorp Genetics (formerly Invitae), Labcorp
Classification: Uncertain significance. Last evaluated: 2023-08-11. Review status: criteria provided, single submitter. Criteria: Invitae Variant Classification Sherloc (09022015). Collection method: clinical testing. Allele origin: germline.
Comment: In summary, the available evidence is currently insufficient to determine the role of this variant in disease. Therefore, it has been classified as a Variant of Uncertain Significance. Advanced modeling of protein sequence and biophysical properties (such as structural, functional, and spatial information, amino acid conservation, physicochemical variation, residue mobility, and thermodynamic stability) has been performed at Invitae for this missense variant, however the output from this modeling did not meet the statistical confidence thresholds required to predict the impact of this variant on FOXP1 protein function. ClinVar contains an entry for this variant (Variation ID: 2183083). This variant has not been reported in the literature in individuals affected with FOXP1-related conditions. This variant is present in population databases (no rsID available, gnomAD 0.003%). This sequence change replaces leucine, which is neutral and non-polar, with phenylalanine, which is neutral and non-polar, at codon 143 of the FOXP1 protein (p.Leu143Phe).

NM_001349338.3(FOXP1):c.427C>T (p.Leu143Phe)

Gene: FOXP1 (forkhead box P1; minus strand). Cytogenetic location: 3p13.
Variant type: single nucleotide variant.
Coding change: c.427C>T on transcript NM_001349338.3 (MANE Select); coding-DNA position 427, C replaced by T.
Protein change: p.Leu143Phe; replaces leucine 143 with phenylalanine.
Molecular consequence: missense variant. On other transcripts: non-coding transcript variant (2), intron variant (1).
Genome position (GRCh38, 1-based): chr3:71,052,620, G>A on the plus strand (C>T on the coding strand, the complement: FOXP1 is on the minus strand). VCF-style: chr3-71052620-G-A. GRCh37 (hg19) VCF-style: chr3-71101771-G-A.
Other names: c.427C>T, p.Leu143Phe (NM_001244808.3, NM_001244810.2, NM_001244814.3 and 4 more transcripts); c.127C>T, p.Leu43Phe (NM_001244813.3, NM_001244815.2, NM_001349342.3 and 1 more transcripts); c.124C>T, p.Leu42Phe (NM_001349337.2, NM_001349343.3, NM_001349344.3); c.424C>T, p.Leu142Phe (NM_001349341.3); c.283-5525C>T (NM_001244812.3); short protein forms L142F, L42F, L43F, L143F.
Identifiers: ClinVar variation 2183083 (VCV002183083.4), dbSNP rs1412276376, ClinGen allele CA353563820.
Genomic context (GRCh38, chr3:71,052,620, plus strand): 5'-GTTGTTGTTGTAAAAGTTGAAGCTGCAACTGTTCCTGTTGTTTTTTATAAAACTCTTGAA[G>A]CTGCTGCTACAAAGGAAAGAGAGGACGGTAAGTAACAGAGGGTAGCGCCAATCCACTGTC-3'
Protein context (NP_001336267.1, residues 133-153): QQALMLQQQQ[Leu143Phe]QEFYKKQQEQ